The following is an entry in ClinVar:

NM_003327.4(TNFRSF4):c.264C>A (p.Asn88Lys)

Gene: TNFRSF4 (TNF receptor superfamily member 4; minus strand). Cytogenetic location: 1p36.33.
Variant type: single nucleotide variant.
Coding change: c.264C>A on transcript NM_003327.4 (MANE Select); coding-DNA position 264, C replaced by A.
Protein change: p.Asn88Lys; replaces asparagine 88 with lysine.
Molecular consequence: missense variant.
Genome position (GRCh38, 1-based): chr1:1,213,667, G>T on the plus strand (C>A on the coding strand, the complement: TNFRSF4 is on the minus strand). VCF-style: chr1-1213667-G-T. GRCh37 (hg19) VCF-style: chr1-1149047-G-T.
Other names: short protein forms N88K.
Identifiers: ClinVar variation 848408 (VCV000848408.9), dbSNP rs975694220, ClinGen allele CA16733399.

ClinVar aggregate classification (germline): Uncertain significance (1 of 4 stars; one submission).

Conditions:
Combined immunodeficiency due to OX40 deficiency. Also called: Immunodeficiency 16; OX40 DEFICIENCY. Identifiers: Orphanet 431149, MedGen C3810053, MONDO:0014268, OMIM 615593.

Allele frequency attached by ClinVar (database versions not stated): gnomAD 0.00001; gnomAD exomes 0.00001; TOPMed 0.00001.

Submission:

Labcorp Genetics (formerly Invitae), Labcorp
Classification: Uncertain significance for Combined immunodeficiency due to OX40 deficiency. Last evaluated: 2022-11-22. Review status: criteria provided, single submitter. Criteria: Invitae Variant Classification Sherloc (09022015). Collection method: clinical testing. Allele origin: germline.
Comment: Advanced modeling of protein sequence and biophysical properties (such as structural, functional, and spatial information, amino acid conservation, physicochemical variation, residue mobility, and thermodynamic stability) performed at Invitae indicates that this missense variant is not expected to disrupt TNFRSF4 protein function. This sequence change replaces asparagine, which is neutral and polar, with lysine, which is basic and polar, at codon 88 of the TNFRSF4 protein (p.Asn88Lys). This variant is not present in population databases (gnomAD no frequency). This variant has not been reported in the literature in individuals affected with TNFRSF4-related conditions. ClinVar contains an entry for this variant (Variation ID: 848408). In summary, the available evidence is currently insufficient to determine the role of this variant in disease. Therefore, it has been classified as a Variant of Uncertain Significance.